The following is an entry in ClinVar:

NM_000465.4(BARD1):c.500C>A (p.Pro167His)

Gene: BARD1 (BRCA1 associated RING domain 1; minus strand). Cytogenetic location: 2q35.
Variant type: single nucleotide variant.
Coding change: c.500C>A on transcript NM_000465.4 (MANE Select); coding-DNA position 500, C replaced by A.
Protein change: p.Pro167His; replaces proline 167 with histidine.
Molecular consequence: missense variant. On other transcripts: non-coding transcript variant (2), intron variant (3).
Genome position (GRCh38, 1-based): chr2:214,781,374, G>T on the plus strand (C>A on the coding strand, the complement: BARD1 is on the minus strand). VCF-style: chr2-214781374-G-T. GRCh37 (hg19) VCF-style: chr2-215646098-G-T.
Other names: c.443C>A, p.Pro148His (NM_001282543.2); c.158+28038C>A (NM_001282548.2); c.215+15687C>A (NM_001282545.2); c.364+10923C>A (NM_001282549.2); short protein forms P148H, P167H.
Identifiers: ClinVar variation 1320422 (VCV001320422.8), dbSNP rs1695024043, ClinGen allele CA350457516.

ClinVar aggregate classification (germline): Uncertain significance. Review status: criteria provided, multiple submitters, no conflicts (2 of 4 stars). 3 submissions from 3 submitters: Uncertain significance (3). Last evaluated 2026-07-07.

Conditions:
Hereditary cancer-predisposing syndrome. Also called: Hereditary Cancer Syndrome; Neoplastic Syndromes, Hereditary; Hereditary neoplastic syndrome; Tumor predisposition. Identifiers: Orphanet 140162, MedGen C0027672, MeSH D009386, MONDO:0015356.
Familial cancer of breast. Also called: hereditary breast carcinoma; Hereditary breast cancer; BREAST CANCER, FAMILIAL. Identifiers: Orphanet 227535, MedGen C0346153, MONDO:0016419, OMIM 114480. Disease mechanism: loss of function.

Allele frequency attached by ClinVar (database versions not stated): TOPMed below 0.00001; gnomAD 0.00001.
gnomAD v4.1: 2 of 1,613,466 alleles (0.00012%); highest among the groups gnomAD compares: African/African-American, 0.0027%; no homozygotes.

Submissions (3):

Ambry Genetics
Classification: Uncertain significance for Hereditary cancer-predisposing syndrome. Last evaluated: 2026-07-07. Review status: criteria provided, single submitter. Criteria: Ambry Variant Classification Scheme 2023. Collection method: clinical testing. Allele origin: germline.
Comment: The p.P167H variant (also known as c.500C>A), located in coding exon 4 of the BARD1 gene, results from a C to A substitution at nucleotide position 500. The proline at codon 167 is replaced by histidine, an amino acid with similar properties. This amino acid position is conserved. In addition, the in silico prediction for this alteration is inconclusive. Based on the available evidence, the clinical significance of this variant remains unclear.

Labcorp Genetics (formerly Invitae), Labcorp
Classification: Uncertain significance for Familial cancer of breast. Last evaluated: 2023-10-03. Review status: criteria provided, single submitter. Criteria: Invitae Variant Classification Sherloc (09022015). Collection method: clinical testing. Allele origin: germline.
Comment: This sequence change replaces proline, which is neutral and non-polar, with histidine, which is basic and polar, at codon 167 of the BARD1 protein (p.Pro167His). This variant is not present in population databases (gnomAD no frequency). This variant has not been reported in the literature in individuals affected with BARD1-related conditions. ClinVar contains an entry for this variant (Variation ID: 1320422). An algorithm developed to predict the effect of missense changes on protein structure and function (PolyPhen-2) suggests that this variant is likely to be disruptive. In summary, the available evidence is currently insufficient to determine the role of this variant in disease. Therefore, it has been classified as a Variant of Uncertain Significance.

GeneDx
Classification: Uncertain significance. Last evaluated: 2020-11-09. Review status: criteria provided, single submitter. Criteria: GeneDx Variant Classification Process June 2021. Collection method: clinical testing. Allele origin: germline. Affected: yes.
Comment: Not observed in large population cohorts (Lek 2016); In silico analysis supports that this missense variant does not alter protein structure/function; Has not been previously published as pathogenic or benign to our knowledge